The following is an entry in ClinVar:

ClinVar aggregate classification (germline): Benign. Review status: criteria provided, multiple submitters, no conflicts (2 of 4 stars). 2 submissions from 2 submitters: Benign (2). Last evaluated 2018-06-16.

Allele frequency attached by ClinVar (database versions not stated): gnomAD 0.17292 and 0.17637; TOPMed 0.17517; 1000 Genomes Project 0.19269; 1000 Genomes Project 30x 0.19379.
gnomAD v4.1: 255,636 of 1,213,384 alleles (21%); highest among the groups gnomAD compares: East Asian, 41%; 30,073 homozygotes.

Submissions (2):

GeneDx
Classification: Benign. Last evaluated: 2018-06-16. Review status: criteria provided, single submitter. Criteria: GeneDx Variant Classification (06012015). Collection method: clinical testing. Allele origin: germline. Affected: yes.
Comment: This variant is considered likely benign or benign based on one or more of the following criteria: it is a conservative change, it occurs at a poorly conserved position in the protein, it is predicted to be benign by multiple in silico algorithms, and/or has population frequency not consistent with disease.

Breakthrough Genomics
Classification: Benign. Review status: criteria provided, single submitter. Criteria: ACMG Guidelines, 2015. Collection method: not provided. Allele origin: germline. Inheritance: Autosomal recessive inheritance. Affected: yes.

NM_002894.3(RBBP8):c.2288-81C>T

Gene: RBBP8 (RB binding protein 8, endonuclease; plus strand). Cytogenetic location: 18q11.2.
Variant type: single nucleotide variant.
Coding change: c.2288-81C>T on transcript NM_002894.3 (MANE Select); 81 bases into the intron before coding-DNA position 2288, C replaced by T.
Molecular consequence: intron variant.
Genome position (GRCh38, 1-based): chr18:23,006,282, C>T. VCF-style: chr18-23006282-C-T. GRCh37 (hg19) VCF-style: chr18-20586245-C-T.
Other names: c.2288-81C>T (NM_203292.2, NM_203291.2).
Identifiers: ClinVar variation 673981 (VCV000673981.2), dbSNP rs72889626, ClinGen allele CA15929365.
Genomic context (GRCh38, chr18:23,006,282, plus strand): 5'-TTTAAATGAGTTGCTCAGAGGCCTGGAGCATGAAACCCAATAAAAATGGAAGTTTGAGTG[C>T]GTGTCATTTTCTTCCAAGCTAGTTAATTATTTCTCATTAAGTTCTACATTTAGTTTGTAA-3'